The following is an entry in ClinVar:

ClinVar aggregate classification (germline): Uncertain significance (1 of 4 stars; one submission).

Conditions:
Hereditary cancer-predisposing syndrome. Also called: Neoplastic Syndromes, Hereditary; Hereditary neoplastic syndrome; Tumor predisposition; Hereditary Cancer Syndrome. Identifiers: Orphanet 140162, MedGen C0027672, MeSH D009386, MONDO:0015356.

Submission:

Ambry Genetics
Classification: Uncertain significance for Hereditary cancer-predisposing syndrome. Last evaluated: 2026-02-16. Review status: criteria provided, single submitter. Criteria: Ambry Variant Classification Scheme 2023. Collection method: clinical testing. Allele origin: germline.
Comment: The p.L999F variant (also known as c.2995C>T), located in coding exon 18 of the DICER1 gene, results from a C to T substitution at nucleotide position 2995. The leucine at codon 999 is replaced by phenylalanine, an amino acid with highly similar properties. This amino acid position is conserved. In addition, the in silico prediction for this alteration is inconclusive. Based on the available evidence, the clinical significance of this variant remains unclear.

NM_177438.3(DICER1):c.2995C>T (p.Leu999Phe)

Gene: DICER1 (dicer 1, ribonuclease III; minus strand). Cytogenetic location: 14q32.13.
Variant type: single nucleotide variant.
Coding change: c.2995C>T on transcript NM_177438.3 (MANE Select); coding-DNA position 2995, C replaced by T.
Protein change: p.Leu999Phe; replaces leucine 999 with phenylalanine.
Molecular consequence: missense variant. On other transcripts: non-coding transcript variant (6).
Genome position (GRCh38, 1-based): chr14:95,105,776, G>A on the plus strand (C>T on the coding strand, the complement: DICER1 is on the minus strand). VCF-style: chr14-95105776-G-A. GRCh37 (hg19) VCF-style: chr14-95572113-G-A.
Other names: c.2995C>T, p.Leu999Phe (NM_001271282.3, NM_001291628.2, NM_001395677.1 and 12 more transcripts); c.2590C>T, p.Leu864Phe (NM_001395696.1, NM_001395687.1, NM_001395688.1 and 2 more transcripts); c.1312C>T, p.Leu438Phe (NM_001395697.1); c.2713C>T, p.Leu905Phe (NM_001395686.1); c.2428C>T, p.Leu810Phe (NM_001395691.1); short protein forms L905F, L810F, L438F, L864F, L999F.
Identifiers: ClinVar variation 4824645 (VCV004824645.1).
Genomic context (GRCh38, chr14:95,105,776, plus strand): 5'-TCTCAGCACTGCTTAAAGGAAGCGCTTTCCCCTTCTGATTCAAATGTCGAGGTGTCAAAA[G>A]ATTAAGTCTGTAAGAATTCCAAAACAATTTTATCAAACACACAAAAATGAGTACATATTC-3'
Protein context (NP_803187.1, residues 989-1009): DVDHTSSRLN[Leu999Phe]LTPRHLNQKG